The following is an entry in ClinVar:

ClinVar aggregate classification (germline): Uncertain significance (1 of 4 stars; one submission).

Conditions:
OFD1-related disorder. Also called: OFD1-related condition.

gnomAD v4.1: 5 of 1,197,021 alleles (0.00042%); highest among the groups gnomAD compares: Non-Finnish European, 0.00056%; no homozygotes.

Submission:

PreventionGenetics, part of Exact Sciences
Classification: Uncertain significance for OFD1-related condition. Last evaluated: 2025-12-18. Review status: criteria provided, single submitter. Criteria: ACMG Guidelines, 2015. Collection method: clinical testing. Allele origin: germline.
Comment: The OFD1 c.1958A>G variant is predicted to result in the amino acid substitution p.His653Arg. To our knowledge, this variant has not been reported in the literature or in a large population database (gnomAD), indicating this variant is rare. At this time, the clinical significance of this variant is uncertain due to the absence of conclusive functional and genetic evidence.

NM_003611.3(OFD1):c.1958A>G (p.His653Arg)

Gene: OFD1 (OFD1 centriole and centriolar satellite protein; plus strand). Cytogenetic location: Xp22.2.
Variant type: single nucleotide variant.
Coding change: c.1958A>G on transcript NM_003611.3 (MANE Select); coding-DNA position 1958, A replaced by G.
Protein change: p.His653Arg; replaces histidine 653 with arginine.
Molecular consequence: missense variant.
Genome position (GRCh38, 1-based): chrX:13,760,418, A>G. VCF-style: chrX-13760418-A-G. GRCh37 (hg19) VCF-style: chrX-13778537-A-G.
Other names: c.1838A>G, p.His613Arg (NM_001330209.2, NM_001440948.1); c.1538A>G, p.His513Arg (NM_001330210.2); c.1958A>G, p.His653Arg (NM_001440947.1); short protein forms H613R, H653R, H513R.
Identifiers: ClinVar variation 4995957 (VCV004995957.1).